The following is an entry in ClinVar:

NM_007294.4(BRCA1):c.5194-2A>G

Gene: BRCA1 (BRCA1 DNA repair associated; minus strand). Cytogenetic location: 17q21.31.
Variant type: single nucleotide variant.
Coding change: c.5194-2A>G on transcript NM_007294.4 (MANE Select); the canonical splice acceptor site of the intron before coding-DNA position 5194, A replaced by G.
Molecular consequence: splice acceptor variant.
Genome position (GRCh38, 1-based): chr17:43,057,137, T>C on the plus strand (A>G on the coding strand, the complement: BRCA1 is on the minus strand). VCF-style: chr17-43057137-T-C. GRCh37 (hg19) VCF-style: chr17-41209154-T-C.
Other names: IVS19-2A>G; c.5113-2A>G (NM_001407658.1, NM_001407656.1, NM_001407657.1); c.5116-2A>G (NM_001407653.1, NM_001407655.1, NM_001407654.1 and 1 more transcripts); c.4855-2A>G (NM_001407958.1, NM_001407956.1, NM_001407957.1); c.4858-2A>G (NM_001407955.1, NM_001407951.1, NM_001407954.1 and 3 more transcripts); c.1669-2A>G (NM_001408493.1, NM_001408492.1); c.1672-2A>G (NM_001408490.1, NM_001408489.1, NM_001408482.1 and 5 more transcripts); c.4978-2A>G (NM_001407915.1, NM_001407916.1, NM_001407917.1 and 1 more transcripts); and 73 more.
Identifiers: ClinVar variation 37647 (VCV000037647.34), dbSNP rs80358069, ClinGen allele CA003347.

ClinVar aggregate classification (germline): Pathogenic/Likely pathogenic. Review status: criteria provided, multiple submitters, no conflicts (2 of 4 stars). 16 submissions from 16 submitters: Pathogenic (10); Likely pathogenic (1). 5 of the submissions do not count toward it. Last evaluated 2025-10-08.

Conditions:
Breast and/or ovarian cancer. Identifiers: MedGen CN221562.
Hereditary cancer-predisposing syndrome. Also called: Tumor predisposition; Neoplastic Syndromes, Hereditary; Hereditary Cancer Syndrome; Hereditary neoplastic syndrome. Identifiers: Orphanet 140162, MedGen C0027672, MeSH D009386, MONDO:0015356.
Hereditary breast ovarian cancer syndrome. Also called: Hereditary breast and ovarian cancer syndrome (HBOC); Hereditary breast and ovarian cancer syndrome; Hereditary breast and ovarian cancer; Hereditary breast and/or ovarian cancer syndrome; Breast and ovarian cancer; BRCA1- and BRCA2-Associated Hereditary Breast and Ovarian Cancer. Identifiers: Orphanet 145, MedGen C0677776, MeSH D061325, MONDO:0003582. Disease mechanism: loss of function.
Breast-ovarian cancer, familial, susceptibility to, 1 (BROVCA1). Also called: OVARIAN CANCER, SUSCEPTIBILITY TO; BRCA1 Hereditary Breast and Ovarian Cancer. Identifiers: Orphanet 145, MedGen C2676676, MONDO:0011450, OMIM 604370. Disease mechanism: loss of function.
Familial cancer of breast. Also called: Hereditary breast cancer; hereditary breast carcinoma; BREAST CANCER, FAMILIAL. Identifiers: Orphanet 227535, MedGen C0346153, MONDO:0016419, OMIM 114480. Disease mechanism: loss of function.
Malignant tumor of breast. Also called: Malignant breast neoplasm; Cancer breast. Identifiers: MedGen C0006142, MONDO:0007254. Disease mechanism: loss of function.

Allele frequency attached by ClinVar (database versions not stated): gnomAD exomes below 0.00001.

Submissions 1 to 8 of 17:

Labcorp Genetics (formerly Invitae), Labcorp
Classification: Pathogenic for Hereditary breast ovarian cancer syndrome. Last evaluated: 2025-10-08. Review status: criteria provided, single submitter. Criteria: Invitae Variant Classification Sherloc (09022015). Collection method: clinical testing. Allele origin: germline.
Comment: This sequence change affects an acceptor splice site in intron 18 of the BRCA1 gene. RNA analysis indicates that disruption of this splice site induces altered splicing and may result in an absent or altered protein product. This variant is present in population databases (rs80358069, gnomAD 0.0009%). Disruption of this splice site has been observed in individual(s) with breast cancer (PMID: 10923033, 14684619, 21520333, 26845104). It has also been observed to segregate with disease in related individuals. This variant is also known as 5313-2A>G or IVS19-2A>G. ClinVar contains an entry for this variant (Variation ID: 37647). Studies have shown that disruption of this splice site results in activation of a cryptic splice site, and produces a non-functional protein and/or introduces a premature termination codon (internal data). For these reasons, this variant has been classified as Pathogenic.

Color Diagnostics, LLC DBA Color Health
Classification: Pathogenic for Hereditary cancer-predisposing syndrome. Last evaluated: 2024-03-19. Review status: criteria provided, single submitter. Criteria: ACMG Guidelines, 2015. Collection method: clinical testing. Allele origin: germline.
Comment: This variant causes an A to G nucleotide substitution at the -2 position of intron 18 of the BRCA1 gene. Splice site prediction tools predict that this variant may have a significant impact on RNA splicing. Two haploid cell proliferation assays have reported that this variant impacted BRCA1 function to varying degrees from loss-of-function to intermediate impact (PMID: 30209399, 34749799). This variant has been reported in several individuals affected with breast or ovarian cancer (PMID: 14684619, 22333603, 26845104, 30968603, 31228304, 32341426, 35918668; Color internal data). This variant has been identified in 1/251484 chromosomes in the general population by the Genome Aggregation Database (gnomAD). Loss of BRCA1 function is a known mechanism of disease. Based on the available evidence, this variant is classified as Pathogenic.

All of Us Research Program, National Institutes of Health
Classification: Pathogenic for Breast-ovarian cancer, familial, susceptibility to, 1. Last evaluated: 2023-10-09. Review status: criteria provided, single submitter. Criteria: ACMG Guidelines, 2015. Collection method: clinical testing. Allele origin: germline. Inheritance: Autosomal dominant inheritance. Observed: 1 variant allele, 1 heterozygote.
Comment: This variant disrupts a canonical splice site and is predicted to result in abnormal splicing. Aberrant splicing and/or loss of function is an established mechanism of disease. Functional studies suggest that this variant results in a deleterious effect on the protein (PMID: 30209399). This variant has been reported in multiple individuals with hereditary breast and ovarian cancer (PMID: 14684619, 26845104, 29446198, 31771539, 32566972, 35918668). This variant is present in 1/251484 total alleles in the Genome Aggregation Database.

This study involves interpretation of variants in research participants for the purpose of population health screening. Participant phenotype was not available at the time of variant classification. Additional details can be found in publication PMID: 35346344, PMCID: PMC8962531

Quest Diagnostics Nichols Institute San Juan Capistrano
Classification: Pathogenic. Last evaluated: 2023-07-03. Review status: criteria provided, single submitter. Criteria: Quest Diagnostics criteria. Collection method: clinical testing. Allele origin: unknown.
Comment: The BRCA1 c.5194-2A>G variant (also known as IVS19-2A>G and 5313-2A>G) disrupts a canonical splice-acceptor site, and is predicted to result in the in-frame skipping of exon 19 and removal of a portion of the gene important for its structure or function. In the published literature, this variant has been reported in individuals with breast and/or ovarian cancer (PMIDs: 35918668 (2022), 32341426 (2020), 30968603 (2019), 29673794 (2018), 26845104 (2016), 14684619 (2004)). A saturation genome editing assay measuring cell survival classified this variant as non-functional (PMID: 30209399 (2018)). The frequency of this variant in the general population, 0.000004 (1/251484 chromosomes (Genome Aggregation Database)), is consistent with pathogenicity. Based on the available information, this variant is classified as pathogenic.

Baylor Genetics
Classification: Pathogenic for Breast-ovarian cancer, familial, susceptibility to, 1. Last evaluated: 2023-05-16. Review status: criteria provided, single submitter. Criteria: ACMG Guidelines, 2015. Collection method: clinical testing. Allele origin: unknown.

Ambry Genetics
Classification: Pathogenic for Hereditary cancer-predisposing syndrome. Last evaluated: 2023-05-15. Review status: criteria provided, single submitter. Criteria: Ambry Variant Classification Scheme 2023. Collection method: clinical testing. Allele origin: germline.
Comment: The c.5194-2A>G intronic pathogenic mutation results from an A to G substitution two nucleotides upstream from coding exon 18 in the BRCA1 gene. This mutation was detected in 2/82 Norwegian patients with breast and/or ovarian cancer who also had a family history that was concerning for hereditary breast and ovarian cancer (HBOC) syndrome (M&oslash;ller P et al. Eur. J. Cancer. 2001 May;37:1027-32). One functional study found that this nucleotide substitution is non-functional in a high-throughput, genome editing, haploid cell survival assay (Findlay GM et al. Nature. 2018 Oct;562(7726):217-222). In silico splice site analysis predicts that this alteration will weaken the native splice acceptor site and will result in the creation or strengthening of a novel splice acceptor site; however, direct evidence is insufficient at this time (Ambry internal data). In addition to the clinical data presented in the literature, alterations that disrupt the canonical splice site are expected to cause aberrant splicing, resulting in an abnormal protein or a transcript that is subject to nonsense-mediated mRNA decay. As such, this alteration is classified as a disease-causing mutation.

GeneDx
Classification: Likely pathogenic. Last evaluated: 2022-01-27. Review status: criteria provided, single submitter. Criteria: GeneDx Variant Classification Process June 2021. Collection method: clinical testing. Allele origin: germline. Affected: yes.
Comment: Canonical splice site variant demonstrated to result in full length transcript as well as the in-frame deletion of exon 19, located in the critical BRCT1 and BRCT2 domains (Chevalier 2020, Billaud 2021, UniProt); Observed in individuals with BRCA1-related cancers in the published literature (Shirts 2016, Park 2018, Rebbeck 2018, Wang 2019); Published functional studies demonstrate a damaging effect: variant classified as non-functional based on a saturation genome editing (SGE) assay measuring cell survival (Findlay 2018); In silico analysis supports a deleterious effect on splicing; Not observed at significant frequency in large population cohorts (gnomAD); Also known as 5313-2A>G and IVS19-2A>G; This variant is associated with the following publications: (PMID: 28152038, 32124385, 14684619, 21523855, 26845104, 25085752, 25525159, 28111427, 31589614, 34749799, 30968603, 29673794, 29446198, 32341426, 33720054, 30209399)

CHEO Genetics Diagnostic Laboratory, Children's Hospital of Eastern Ontario
Classification: Pathogenic for Breast and/or ovarian cancer. Last evaluated: 2020-09-18. Review status: criteria provided, single submitter. Criteria: ACMG Guidelines, 2015. Collection method: clinical testing. Allele origin: germline.